The following is an entry in ClinVar:

NM_014956.5(CEP164):c.1726C>T (p.Arg576Ter)

Gene: CEP164 (centrosomal protein 164; plus strand). Cytogenetic location: 11q23.3.
Variant type: single nucleotide variant.
Coding change: c.1726C>T on transcript NM_014956.5 (MANE Select); coding-DNA position 1726, C replaced by T.
Protein change: p.Arg576Ter; replaces arginine 576 with a stop codon.
Molecular consequence: nonsense.
Genome position (GRCh38, 1-based): chr11:117,387,204, C>T. VCF-style: chr11-117387204-C-T. GRCh37 (hg19) VCF-style: chr11-117257920-C-T.
Other names: c.1735C>T, p.Arg579Ter (NM_001271933.2); c.1726C>T (NM_014956.4); short protein forms R576*, R579*.
Identifiers: ClinVar variation 37298 (VCV000037298.8), dbSNP rs145646425, ClinGen allele CA130153.

ClinVar aggregate classification (germline): Pathogenic. Review status: criteria provided, multiple submitters, no conflicts (2 of 4 stars). 4 submissions from 4 submitters: Pathogenic (3). 1 of the submissions does not count toward it. Last evaluated 2026-01-21.

Conditions:
Nephronophthisis 15 (NPHP15). Identifiers: Orphanet 3156, MedGen C3541853, MONDO:0013917, OMIM 614845.

Allele frequency attached by ClinVar (database versions not stated): TOPMed 0.00004; gnomAD exomes 0.00001; ExAC 0.00001; gnomAD 0.00002; ESP Exome Variant Server 0.00015.

Submissions (4):

GeneDx
Classification: Pathogenic. Last evaluated: 2026-01-21. Review status: criteria provided, single submitter. Criteria: GeneDx Variant Classification Process June 2021. Collection method: clinical testing. Allele origin: germline.
Comment: Nonsense variant predicted to result in protein truncation or nonsense mediated decay in a gene for which loss of function is a known mechanism of disease; This variant is associated with the following publications: (PMID: 34556108, 32055034, 32367404, 36273371, 31964843, 37230223, 35728977, 32949114, 22863007)

Labcorp Genetics (formerly Invitae), Labcorp
Classification: Pathogenic for Nephronophthisis 15. Last evaluated: 2025-08-06. Review status: criteria provided, single submitter. Criteria: Invitae Variant Classification Sherloc (09022015). Collection method: clinical testing. Allele origin: germline.
Comment: This sequence change creates a premature translational stop signal (p.Arg576*) in the CEP164 gene. It is expected to result in an absent or disrupted protein product. Loss-of-function variants in CEP164 are known to be pathogenic (PMID: 22863007, 28125082, 32367404, 34132027, 34499853). This variant is present in population databases (rs145646425, gnomAD 0.007%). This premature translational stop signal has been observed in individuals with CEP164-related conditions (PMID: 22863007, 32055034, 32367404). This variant is also known as p.Arg579*. ClinVar contains an entry for this variant (Variation ID: 37298). For these reasons, this variant has been classified as Pathogenic.

Genomic Medicine Center of Excellence, King Faisal Specialist Hospital and Research Centre
Classification: Pathogenic for Nephronophthisis 15. Last evaluated: 2024-03-23. Review status: criteria provided, single submitter. Criteria: ACMG Guidelines, 2015. Collection method: clinical testing. Allele origin: germline.

OMIM
Classification: Pathogenic for NEPHRONOPHTHISIS 15. Last evaluated: 2012-08-03. Review status: no assertion criteria provided. Collection method: literature only. Allele origin: germline. Not counted in ClinVar's aggregate classification.

Literature cited by the submitters: PubMed 22863007 (cited by Labcorp Genetics (formerly Invitae), Labcorp and OMIM); PubMed 28125082 (cited by Labcorp Genetics (formerly Invitae), Labcorp); PubMed 32367404 (cited by Labcorp Genetics (formerly Invitae), Labcorp); PubMed 34132027 (cited by Labcorp Genetics (formerly Invitae), Labcorp); PubMed 34499853 (cited by Labcorp Genetics (formerly Invitae), Labcorp); PubMed 32055034 (cited by Labcorp Genetics (formerly Invitae), Labcorp).